The following is an entry in ClinVar:

ClinVar aggregate classification (germline): Likely benign. Review status: criteria provided, multiple submitters, no conflicts (2 of 4 stars). 3 submissions from 3 submitters: Likely benign (2). 1 of the submissions does not count toward it. Last evaluated 2026-01-01.

Conditions:
SETD1B-related disorder. Also called: SETD1B-related condition.

Allele frequency attached by ClinVar (database versions not stated): gnomAD exomes 0.00032; ExAC 0.00094; gnomAD 0.00212; ESP Exome Variant Server 0.00219; TOPMed 0.00243; 1000 Genomes Project 0.00260; 1000 Genomes Project 30x 0.00312.
gnomAD v4.1: 780 of 1,551,014 alleles (0.05%); highest among the groups gnomAD compares: African/African-American, 0.64%; 2 homozygotes.

Submissions (3):

CeGaT Center for Human Genetics Tuebingen
Classification: Likely benign. Last evaluated: 2026-01-01. Review status: criteria provided, single submitter. Criteria: CeGaT Center For Human Genetics Tuebingen Variant Classification Criteria Version 2. Collection method: clinical testing. Allele origin: germline. Affected: yes. Observed: 5 variant alleles.
Comment: SETD1B: BP4, BS1

Blueprint Genetics
Classification: Likely benign. Last evaluated: 2024-05-15. Review status: criteria provided, single submitter. Criteria: ACMG Guidelines, 2015. Collection method: clinical testing. Allele origin: germline.

PreventionGenetics, part of Exact Sciences
Classification: Likely benign for SETD1B-related condition. Last evaluated: 2019-10-28. Review status: no assertion criteria provided. Collection method: clinical testing. Allele origin: germline. Not counted in ClinVar's aggregate classification.
Comment: This variant is classified as likely benign based on ACMG/AMP sequence variant interpretation guidelines (Richards et al. 2015 PMID: 25741868, with internal and published modifications).

NM_001353345.2(SETD1B):c.1013C>T (p.Ala338Val)

Gene: SETD1B (SET domain containing 1B, histone lysine methyltransferase; plus strand). Cytogenetic location: 12q24.31.
Variant type: single nucleotide variant.
Coding change: c.1013C>T on transcript NM_001353345.2 (MANE Select); coding-DNA position 1013, C replaced by T.
Protein change: p.Ala338Val; replaces alanine 338 with valine.
Molecular consequence: missense variant.
Genome position (GRCh38, 1-based): chr12:121,809,958, C>T. VCF-style: chr12-121809958-C-T. GRCh37 (hg19) VCF-style: chr12-122247864-C-T.
Other names: NM_015048.1:c.1013C>T; short protein forms A338V.
Identifiers: ClinVar variation 2643421 (VCV002643421.26), dbSNP rs200105126, ClinGen allele CA6838816.